The following is an entry in ClinVar:

NM_032273.4(TMEM126A):c.62T>G (p.Ile21Ser)

Gene: TMEM126A (transmembrane protein 126A; plus strand). Cytogenetic location: 11q14.1.
Variant type: single nucleotide variant.
Coding change: c.62T>G on transcript NM_032273.4 (MANE Select); coding-DNA position 62, T replaced by G.
Protein change: p.Ile21Ser; replaces isoleucine 21 with serine.
Molecular consequence: missense variant. On other transcripts: intron variant (1).
Genome position (GRCh38, 1-based): chr11:85,650,317, T>G. VCF-style: chr11-85650317-T-G. GRCh37 (hg19) VCF-style: chr11-85361361-T-G.
Other names: c.-125+2228T>G (NM_001244735.2); short protein forms I21S.
Identifiers: ClinVar variation 1050336 (VCV001050336.8), dbSNP rs201584707, ClinGen allele CA6212666.
Genomic context (GRCh38, chr11:85,650,317, plus strand): 5'-TGGAAAATCATAAATCCAATAATAAGGAAAACATAACAATTGTTGATATATCCAGAAAAA[T>G]TAACCAGCTTCCAGAAGCAGAAAGGTAAGATCCCTTCTTAATTTAAAAACACCTTTTATC-3'
Protein context (NP_115649.1, residues 11-31): NITIVDISRK[Ile21Ser]NQLPEAERNL

ClinVar aggregate classification (germline): Uncertain significance. Review status: criteria provided, single submitter (1 of 4 stars). 2 submissions from 2 submitters: Uncertain significance (1). 1 of the submissions does not count toward it. Last evaluated 2022-07-25.

gnomAD v4.1: 15 of 1,607,808 alleles (0.00093%); highest among the groups gnomAD compares: East Asian, 0.013%; no homozygotes.

Submissions (4):

Labcorp Genetics (formerly Invitae), Labcorp
Classification: Uncertain significance. Last evaluated: 2022-07-25. Review status: criteria provided, single submitter. Criteria: Invitae Variant Classification Sherloc (09022015). Collection method: clinical testing. Allele origin: germline.
Comment: In summary, the available evidence is currently insufficient to determine the role of this variant in disease. Therefore, it has been classified as a Variant of Uncertain Significance. Algorithms developed to predict the effect of sequence changes on RNA splicing suggest that this variant may create or strengthen a splice site. Algorithms developed to predict the effect of missense changes on protein structure and function are either unavailable or do not agree on the potential impact of this missense change (SIFT: "Deleterious"; PolyPhen-2: "Possibly Damaging"; Align-GVGD: "Class C0"). ClinVar contains an entry for this variant (Variation ID: 1050336). This missense change has been observed in individual(s) with clinical features of TMEM126A-related conditions (PMID: 32855858). This variant is present in population databases (rs201584707, gnomAD 0.03%). This sequence change replaces isoleucine, which is neutral and non-polar, with serine, which is neutral and polar, at codon 21 of the TMEM126A protein (p.Ile21Ser).

Department of Pathology and Laboratory Medicine, Sinai Health System
Classification: Uncertain significance. Review status: no assertion criteria provided. Collection method: clinical testing. Allele origin: unknown. Affected: yes. Study: The Canadian Open Genetics Repository (COGR). Not counted in ClinVar's aggregate classification.
Comment: The TMEM126A p.Ile21Ser variant was not identified in the literature nor was it identified in ClinVar, Cosmic, or LOVD 3.0. The variant was identified in dbSNP (ID: rs201584707) and in control databases in 5 of 250564 chromosomes at a frequency of 0.00002 (Genome Aggregation Database Feb 27, 2017). The variant was observed in the East Asian population in 5 of 18362 chromosomes (freq: 0.000272), but was not observed in the African, Latino, Ashkenazi Jewish, European (Finnish), European (non-Finnish), Other or South Asian populations. The p.Ile21 residue is conserved in mammals but not in more distantly related organisms, and four out of five computational analyses (PolyPhen-2, SIFT, AlignGVGD, BLOSUM, MutationTaster) suggest that the variant may impact the protein; however, this information is not predictive enough to assume pathogenicity. The variant occurs outside of the splicing consensus sequence and three of four in silico or computational prediction software programs (SpliceSiteFinder, MaxEntScan, NNSPLICE, GeneSplicer) do not predict a difference in splicing. In summary, based on the above information the clinical significance of this variant cannot be determined with certainty at this time. This variant is classified as a variant of uncertain significance.

Dr. Peter K. Rogan Lab, Western University
No classification provided (evidence only). Condition: Clear cell carcinoma of kidney. Review status: no classification provided. Collection method: in vitro. Allele origin: not applicable. Functional consequence: retained intron. Not counted in ClinVar's aggregate classification.

Dr. Peter K. Rogan Lab, Western University
No classification provided (evidence only). Condition: Gastric cancer. Review status: no classification provided. Collection method: in vitro. Allele origin: not applicable. Functional consequence: retained intron. Not counted in ClinVar's aggregate classification.

Literature cited by the submitters: PubMed 32855858 (cited by Labcorp Genetics (formerly Invitae), Labcorp).